The following is an entry in ClinVar:

ClinVar aggregate classification (germline): Conflicting classifications of pathogenicity. Review status: criteria provided, conflicting classifications (1 of 4 stars). 5 submissions from 5 submitters: Uncertain significance (3); Likely benign (1). 1 of the submissions does not count toward it. Last evaluated 2024-02-09.

Conditions:
Inborn genetic diseases. Identifiers: MedGen C0950123, MeSH D030342.
Congenital pontocerebellar hypoplasia type 1. Also called: Pontocerebellar hypoplasia type 1. Identifiers: Orphanet 2254, MedGen C5442006, MONDO:0016396.
Pontocerebellar hypoplasia type 1A (PCH1A). Also called: PONTOCEREBELLAR HYPOPLASIA WITH ANTERIOR HORN CELL DISEASE; PONTOCEREBELLAR HYPOPLASIA WITH INFANTILE SPINAL MUSCULAR ATROPHY. Identifiers: Orphanet 2254, Orphanet 88616, MedGen C1843504, MONDO:0011866, OMIM 607596.

Allele frequency attached by ClinVar (database versions not stated): TOPMed 0.00002.
gnomAD v4.1: 80 of 1,613,160 alleles (0.005%); highest among the groups gnomAD compares: Non-Finnish European, 0.0064%; no homozygotes.

Submissions (5):

Ambry Genetics
Classification: Likely benign for Inborn genetic diseases. Last evaluated: 2024-02-09. Review status: criteria provided, single submitter. Criteria: Ambry Variant Classification Scheme 2023. Collection method: clinical testing. Allele origin: germline.

Labcorp Genetics (formerly Invitae), Labcorp
Classification: Uncertain significance for Pontocerebellar hypoplasia type 1A. Last evaluated: 2022-08-09. Review status: criteria provided, single submitter. Criteria: Invitae Variant Classification Sherloc (09022015). Collection method: clinical testing. Allele origin: germline.
Comment: This sequence change replaces asparagine, which is neutral and polar, with lysine, which is basic and polar, at codon 294 of the VRK1 protein (p.Asn294Lys). This variant is present in population databases (rs541660707, gnomAD 0.01%). This variant has not been reported in the literature in individuals affected with VRK1-related conditions. ClinVar contains an entry for this variant (Variation ID: 286548). Algorithms developed to predict the effect of missense changes on protein structure and function (SIFT, PolyPhen-2, Align-GVGD) all suggest that this variant is likely to be tolerated. In summary, the available evidence is currently insufficient to determine the role of this variant in disease. Therefore, it has been classified as a Variant of Uncertain Significance.

Illumina Laboratory Services, Illumina
Classification: Uncertain significance for Pontocerebellar hypoplasia type 1A. Last evaluated: 2018-01-13. Review status: criteria provided, single submitter. Criteria: ICSL Variant Classification Criteria 13 December 2019. Collection method: clinical testing. Allele origin: germline.

Eurofins Ntd Llc (ga)
Classification: Uncertain significance. Last evaluated: 2016-03-04. Review status: criteria provided, single submitter. Criteria: EGL Classification Definitions 2015. Collection method: clinical testing. Allele origin: germline. Observed: 1 variant allele, 1 heterozygote.

Natera, Inc.
Classification: Uncertain significance for Pontocerebellar hypoplasia type 1. Last evaluated: 2020-09-16. Review status: no assertion criteria provided. Collection method: clinical testing. Allele origin: germline. Not counted in ClinVar's aggregate classification.

NM_003384.3(VRK1):c.882C>G (p.Asn294Lys)

Gene: VRK1 (VRK serine/threonine kinase 1; plus strand). Cytogenetic location: 14q32.2.
Variant type: single nucleotide variant.
Coding change: c.882C>G on transcript NM_003384.3 (MANE Select); coding-DNA position 882, C replaced by G.
Protein change: p.Asn294Lys; replaces asparagine 294 with lysine.
Molecular consequence: missense variant.
Genome position (GRCh38, 1-based): chr14:96,856,579, C>G. VCF-style: chr14-96856579-C-G. GRCh37 (hg19) VCF-style: chr14-97322916-C-G.
Other names: short protein forms N294K.
Identifiers: ClinVar variation 286548 (VCV000286548.17), dbSNP rs541660707, ClinGen allele CA7339107.
Genomic context (GRCh38, chr14:96,856,579, plus strand): 5'-TTTTAACAGATACAGAGAAAATATTGCAAGTTTGATGGACAAATGTTTTCCTGAGAAAAA[C>G]AAACCAGGTAGGAAATGACTTCTTCAGTGTTAATAGGGATTTTGTTTTCTGGGGATAAAA-3'
Protein context (NP_003375.1, residues 284-304): SLMDKCFPEK[Asn294Lys]KPGEIAKYME